The following is an entry in ClinVar:

NM_022725.4(FANCF):c.857A>C (p.His286Pro)

Gene: FANCF (FA complementation group F; minus strand). Cytogenetic location: 11p14.3.
Variant type: single nucleotide variant.
Coding change: c.857A>C on transcript NM_022725.4 (MANE Select); coding-DNA position 857, A replaced by C.
Protein change: p.His286Pro; replaces histidine 286 with proline.
Molecular consequence: missense variant.
Genome position (GRCh38, 1-based): chr11:22,624,954, T>G on the plus strand (A>C on the coding strand, the complement: FANCF is on the minus strand). VCF-style: chr11-22624954-T-G. GRCh37 (hg19) VCF-style: chr11-22646500-T-G.
Other names: short protein forms H286P.
Identifiers: ClinVar variation 2891400 (VCV002891400.3), dbSNP rs368940253, ClinGen allele CA5924245.

ClinVar aggregate classification (germline): Uncertain significance (1 of 4 stars; one submission).

Conditions:
Fanconi anemia (FA). Also called: Fanconi's anemia. Identifiers: Orphanet 84, MedGen C0015625, MeSH D005199, MONDO:0019391.

Allele frequency attached by ClinVar (database versions not stated): gnomAD 0.00002; TOPMed 0.00002; ESP Exome Variant Server 0.00008.
gnomAD v4.1: 6 of 1,614,062 alleles (0.00037%); highest among the groups gnomAD compares: African/African-American, 0.004%; no homozygotes.

Submission:

Labcorp Genetics (formerly Invitae), Labcorp
Classification: Uncertain significance for Fanconi anemia. Last evaluated: 2023-12-01. Review status: criteria provided, single submitter. Criteria: Invitae Variant Classification Sherloc (09022015). Collection method: clinical testing. Allele origin: germline.
Comment: This sequence change replaces histidine, which is basic and polar, with proline, which is neutral and non-polar, at codon 286 of the FANCF protein (p.His286Pro). This variant is present in population databases (rs368940253, gnomAD 0.007%). This variant has not been reported in the literature in individuals affected with FANCF-related conditions. Advanced modeling of protein sequence and biophysical properties (such as structural, functional, and spatial information, amino acid conservation, physicochemical variation, residue mobility, and thermodynamic stability) performed at Invitae indicates that this missense variant is expected to disrupt FANCF protein function with a positive predictive value of 80%. In summary, the available evidence is currently insufficient to determine the role of this variant in disease. Therefore, it has been classified as a Variant of Uncertain Significance.